The following is an entry in ClinVar:

NM_001374259.2(IL12RB2):c.1731_1732del (p.Arg577fs)

Gene: IL12RB2 (interleukin 12 receptor subunit beta 2; plus strand). Cytogenetic location: 1p31.3.
Variant type: Microsatellite.
Coding change: c.1731_1732del on transcript NM_001374259.2 (MANE Select); coding-DNA positions 1731 to 1732, 2 bases deleted (AG; older notation c.1731_1732delAG).
Protein change: p.Arg577fs; shifts the reading frame from arginine 577.
Molecular consequence: frameshift variant. On other transcripts: non-coding transcript variant (2).
Genome position (GRCh38, 1-based): chr1:67,379,999-67,380,000, AG deleted; deleting any 2 consecutive bases within chr1:67,379,997-67,380,000 gives the same sequence; the c. name uses the placement nearest the transcript's 3' end. VCF-style (leftmost placement, unchanged base first): chr1-67379996-CAG-C. GRCh37 (hg19) VCF-style: chr1-67845679-CAG-C.
Other names: c.1731_1732del, p.Arg577fs (NM_001258214.1, NM_001258216.1, NM_001319233.1 and 1 more transcripts); c.1473_1474del, p.Arg491fs (NM_001258215.1); short protein forms R491fs, R577fs.
Identifiers: ClinVar variation 2072313 (VCV002072313.4), dbSNP rs771869978, ClinGen allele CA900567.

ClinVar aggregate classification (germline): Uncertain significance (1 of 4 stars; one submission).

Submission:

Labcorp Genetics (formerly Invitae), Labcorp
Classification: Uncertain significance. Last evaluated: 2025-08-10. Review status: criteria provided, single submitter. Criteria: Invitae Variant Classification Sherloc (09022015). Collection method: clinical testing. Allele origin: germline.
Comment: This sequence change creates a premature translational stop signal (p.Arg577Serfs*29) in the IL12RB2 gene. It is expected to result in an absent or disrupted protein product. However, the current clinical and genetic evidence is not sufficient to establish whether loss-of-function variants in IL12RB2 cause disease. This variant is present in population databases (rs771869978, gnomAD 0.01%). This variant has not been reported in the literature in individuals affected with IL12RB2-related conditions. In summary, the available evidence is currently insufficient to determine the role of this variant in disease. Therefore, it has been classified as a Variant of Uncertain Significance.